The following is an entry in ClinVar:

ClinVar aggregate classification (germline): Conflicting classifications of pathogenicity. Review status: criteria provided, conflicting classifications (1 of 4 stars). 3 submissions from 3 submitters: Uncertain significance (2); Likely benign (1). Last evaluated 2026-05-01.

Conditions:
PEX5-related disorder. Also called: PEX5-Related Disorders; PEX5-related condition.
Peroxisome biogenesis disorder 2A (Zellweger) (PBD2A). Also called: Cerebrohepatorenal syndrome, variant types. Identifiers: Orphanet 912, MedGen C3550273, MONDO:0008954, OMIM 214110.

Allele frequency attached by ClinVar (database versions not stated): gnomAD exomes 0.00012 and 0.00021; ExAC 0.00022; gnomAD 0.00006; TOPMed 0.00011.
gnomAD v4.1: 289 of 1,470,660 alleles (0.02%); highest among the groups gnomAD compares: Non-Finnish European, 0.025%; no homozygotes.

Submissions (3):

PreventionGenetics, part of Exact Sciences
Classification: Uncertain significance for PEX5-related condition. Last evaluated: 2026-05-01. Review status: criteria provided, single submitter. Criteria: ACMG Guidelines, 2015. Collection method: clinical testing. Allele origin: germline.
Comment: The PEX5 c.2T>C variant is predicted to disrupt the translation initiation site (Start Loss). This variant correspond to c.-17+185T>C on an alternate transcript (NM_001351132.1). To our knowledge, this variant has not been reported in the literature. This variant is reported in 0.018% of alleles in individuals of European (Non-Finnish) descent in gnomAD. At this time, the clinical significance of this variant is uncertain due to the absence of conclusive functional and genetic evidence.

Blueprint Genetics
Classification: Likely benign. Last evaluated: 2023-11-07. Review status: criteria provided, single submitter. Criteria: ACMG Guidelines, 2015. Collection method: clinical testing. Allele origin: germline.

Illumina Laboratory Services, Illumina
Classification: Uncertain significance for Peroxisome biogenesis disorder 2A (Zellweger). Last evaluated: 2018-01-13. Review status: criteria provided, single submitter. Criteria: ICSL Variant Classification Criteria 13 December 2019. Collection method: clinical testing. Allele origin: germline.

NM_001351132.2(PEX5):c.-17+185T>C

Gene: PEX5 (peroxisomal biogenesis factor 5; plus strand). Cytogenetic location: 12p13.31.
Variant type: single nucleotide variant.
Coding change: c.-17+185T>C on transcript NM_001351132.2 (MANE Select); 185 bases into the intron after 17 bases upstream of the start codon, T replaced by C.
Molecular consequence: intron variant. On other transcripts: 5 prime UTR variant (8).
Genome position (GRCh38, 1-based): chr12:7,189,935, T>C. VCF-style: chr12-7189935-T-C. GRCh37 (hg19) VCF-style: chr12-7342531-T-C.
Other names: c.-298T>C (NM_001131025.2, NM_001351130.3); c.-62T>C (NM_001300789.3, NM_001351135.3, NM_001351137.3); c.-443T>C (NM_001374647.2, NM_001374648.2, NM_001374649.2); c.-16-427T>C (NM_001351124.3); c.-211-87T>C (NM_001131026.2, NM_001351133.2, NM_001351127.2 and 1 more transcripts); c.-17+404T>C (NM_001351131.2, NM_001351126.2); c.-17+185T>C (NM_001374646.1, NM_001131023.2, NM_001351138.2 and 4 more transcripts); c.-90+185T>C (NM_001351134.2, NM_001351128.2); and 2 more.
Identifiers: ClinVar variation 310411 (VCV000310411.7), dbSNP rs779168691, ClinGen allele CA6425950.
Genomic context (GRCh38, chr12:7,189,935, plus strand): 5'-GAGCGCGGGAGGGACCGGGCCGAGCCGGGGGAAGGGCTCCGGTGACTTAAGGGGAGGGAA[T>C]GCTCCTCTGCCGTGCTCACCGCGTGCTGGGGCTGCGCGGGGCTAGGTATGGTCGGGCTGT-3'